The following is an entry in ClinVar:

NM_000051.4(ATM):c.7448G>A (p.Trp2483Ter)

Genes: ATM (ATM serine/threonine kinase; plus strand), C11orf65 (chromosome 11 open reading frame 65; minus strand). Cytogenetic location: 11q22.3.
Variant type: single nucleotide variant.
Coding change: c.7448G>A on transcript NM_000051.4 (MANE Select); coding-DNA position 7448, G replaced by A.
Protein change: p.Trp2483Ter; replaces tryptophan 2483 with a stop codon.
Molecular consequence: nonsense. On other transcripts: intron variant (2).
Genome position (GRCh38, 1-based): chr11:108,330,354, G>A. VCF-style: chr11-108330354-G-A. GRCh37 (hg19) VCF-style: chr11-108201081-G-A.
Other names: c.7448G>A, p.Trp2483Ter (NM_001351834.2); c.641-21283C>T (NM_001330368.2); c.*38+4866C>T (NM_001351110.2); short protein forms W2483*.
Identifiers: ClinVar variation 1445736 (VCV001445736.7), dbSNP rs2136460393, ClinGen allele CA382560334.
Genomic context (GRCh38, chr11:108,330,354, plus strand): 5'-TATGTAAAGCAGTTGAAAATTATATCAACTGCTTATTAAGTGGAGAAGAACATGATATGT[G>A]GGTATTCCGACTTTGTTCCCTCTGGCTTGAAAATTCTGGAGTTTCTGAAGTCAATGGCAT-3'

ClinVar aggregate classification (germline): Pathogenic (1 of 4 stars; one submission).

Conditions:
Ataxia-telangiectasia syndrome (AT). Also called: Ataxia-telangiectasia; LOUIS-BAR SYNDROME; Ataxia-telangiectasia, complementation group D; AT, COMPLEMENTATION GROUP C; ATAXIA-TELANGIECTASIA, COMPLEMENTATION GROUP A; ATAXIA-TELANGIECTASIA, FRESNO VARIANT. Identifiers: Orphanet 100, MedGen C0004135, MONDO:0008840, OMIM 208900.

Submission:

Labcorp Genetics (formerly Invitae), Labcorp
Classification: Pathogenic for Ataxia-telangiectasia syndrome. Last evaluated: 2022-01-28. Review status: criteria provided, single submitter. Criteria: Invitae Variant Classification Sherloc (09022015). Collection method: clinical testing. Allele origin: germline.
Comment: This sequence change creates a premature translational stop signal (p.Trp2483*) in the ATM gene. It is expected to result in an absent or disrupted protein product. Loss-of-function variants in ATM are known to be pathogenic (PMID: 23807571, 25614872). This variant is not present in population databases (gnomAD no frequency). This premature translational stop signal has been observed in individual(s) with clinical features of ataxia-telangiectasia (PMID: 9443866, 9682216). For these reasons, this variant has been classified as Pathogenic.

Literature cited by the submitters: PubMed 23807571; PubMed 25614872; PubMed 9443866; PubMed 9682216.